The following is an entry in ClinVar:

ClinVar aggregate classification (germline): Uncertain significance. Review status: criteria provided, multiple submitters, no conflicts (2 of 4 stars). 3 submissions from 3 submitters: Uncertain significance (3). Last evaluated 2023-06-16.

Conditions:
Hereditary cancer-predisposing syndrome. Also called: Tumor predisposition; Neoplastic Syndromes, Hereditary; Hereditary Cancer Syndrome; Hereditary neoplastic syndrome. Identifiers: Orphanet 140162, MedGen C0027672, MeSH D009386, MONDO:0015356.
Microcephaly, normal intelligence and immunodeficiency (NBS). Also called: BERLIN BREAKAGE SYNDROME; Ataxia telangiectasia variant V1; IMMUNODEFICIENCY, MICROCEPHALY, AND CHROMOSOMAL INSTABILITY; SEEMANOVA SYNDROME II; Immunodeficiency, microcephaly with normal intelligence; Nijmegen breakage syndrome. Identifiers: Orphanet 647, MedGen C0398791, MONDO:0009623, OMIM 251260.

gnomAD v4.1: 1 of 1,612,440 alleles (0.000062%); no homozygotes.

Submissions (3):

Labcorp Genetics (formerly Invitae), Labcorp
Classification: Uncertain significance for Microcephaly, normal intelligence and immunodeficiency. Last evaluated: 2023-06-16. Review status: criteria provided, single submitter. Criteria: Invitae Variant Classification Sherloc (09022015). Collection method: clinical testing. Allele origin: germline.
Comment: In summary, the available evidence is currently insufficient to determine the role of this variant in disease. Therefore, it has been classified as a Variant of Uncertain Significance. Studies have shown that this missense change results in activation of a cryptic splice site and introduces a premature termination codon (Invitae). The resulting mRNA is expected to undergo nonsense-mediated decay. An algorithm developed to predict the effect of missense changes on protein structure and function (PolyPhen-2) suggests that this variant is likely to be disruptive. ClinVar contains an entry for this variant (Variation ID: 485929). This variant has not been reported in the literature in individuals affected with NBN-related conditions. This variant is not present in population databases (gnomAD no frequency). This sequence change replaces cysteine, which is neutral and slightly polar, with phenylalanine, which is neutral and non-polar, at codon 119 of the NBN protein (p.Cys119Phe). RNA analysis indicates that this missense change induces altered splicing and may result in an absent or disrupted protein product.

Genome-Nilou Lab
Classification: Uncertain significance for Microcephaly, normal intelligence and immunodeficiency. Last evaluated: 2021-11-07. Review status: criteria provided, single submitter. Criteria: ACMG Guidelines, 2015. Collection method: clinical testing. Allele origin: germline. Affected: no.

Ambry Genetics
Classification: Uncertain significance for Hereditary cancer-predisposing syndrome. Last evaluated: 2018-12-20. Review status: criteria provided, single submitter. Criteria: Ambry Variant Classification Scheme 2023. Collection method: clinical testing. Allele origin: germline.
Comment: The p.C119F variant (also known as c.356G>T), located in coding exon 4 of the NBN gene, results from a G to T substitution at nucleotide position 356. The cysteine at codon 119 is replaced by phenylalanine, an amino acid with highly dissimilar properties. This amino acid position is highly conserved in available vertebrate species. In addition, this alteration is predicted to be deleterious by in silico analysis. Since supporting evidence is limited at this time, the clinical significance of this alteration remains unclear.

NM_002485.5(NBN):c.356G>T (p.Cys119Phe)

Gene: NBN (nibrin; minus strand). Cytogenetic location: 8q21.3.
Variant type: single nucleotide variant.
Coding change: c.356G>T on transcript NM_002485.5 (MANE Select); coding-DNA position 356, G replaced by T.
Protein change: p.Cys119Phe; replaces cysteine 119 with phenylalanine.
Molecular consequence: missense variant.
Genome position (GRCh38, 1-based): chr8:89,980,858, C>A on the plus strand (G>T on the coding strand, the complement: NBN is on the minus strand). VCF-style: chr8-89980858-C-A. GRCh37 (hg19) VCF-style: chr8-90993086-C-A.
Other names: c.110G>T, p.Cys37Phe (NM_001024688.3); short protein forms C119F, C37F.
Identifiers: ClinVar variation 485929 (VCV000485929.16), dbSNP rs749272832, ClinGen allele CA371662094.